The following is an entry in ClinVar:

ClinVar aggregate classification (germline): Uncertain significance (1 of 4 stars; one submission).

Submission:

Labcorp Genetics (formerly Invitae), Labcorp
Classification: Uncertain significance. Last evaluated: 2025-10-23. Review status: criteria provided, single submitter. Criteria: Invitae Variant Classification Sherloc (09022015). Collection method: clinical testing. Allele origin: germline.
Comment: This sequence change replaces glutamic acid, which is acidic and polar, with lysine, which is basic and polar, at codon 992 of the C3 protein (p.Glu992Lys). This variant is not present in population databases (gnomAD no frequency). This variant has not been reported in the literature in individuals affected with C3-related conditions. Invitae Evidence Modeling of protein sequence and biophysical properties (such as structural, functional, and spatial information, amino acid conservation, physicochemical variation, residue mobility, and thermodynamic stability) indicates that this missense variant is not expected to disrupt C3 protein function with a negative predictive value of 80%. In summary, the available evidence is currently insufficient to determine the role of this variant in disease. Therefore, it has been classified as a Variant of Uncertain Significance.

NM_000064.4(C3):c.2974G>A (p.Glu992Lys)

Gene: C3 (complement C3; minus strand). Cytogenetic location: 19p13.3.
Variant type: single nucleotide variant.
Coding change: c.2974G>A on transcript NM_000064.4 (MANE Select); coding-DNA position 2974, G replaced by A.
Protein change: p.Glu992Lys; replaces glutamic acid 992 with lysine.
Molecular consequence: missense variant.
Genome position (GRCh38, 1-based): chr19:6,694,611, C>T on the plus strand (G>A on the coding strand, the complement: C3 is on the minus strand). VCF-style: chr19-6694611-C-T. GRCh37 (hg19) VCF-style: chr19-6694622-C-T.
Other names: short protein forms E992K.
Identifiers: ClinVar variation 4761364 (VCV004761364.1).